The following is an entry in ClinVar:

ClinVar aggregate classification (germline): Pathogenic (1 of 4 stars; one submission).

Conditions:
Hereditary cancer-predisposing syndrome. Also called: Tumor predisposition; Hereditary neoplastic syndrome; Neoplastic Syndromes, Hereditary; Hereditary Cancer Syndrome. Identifiers: Orphanet 140162, MedGen C0027672, MeSH D009386, MONDO:0015356.

Submission:

Ambry Genetics
Classification: Pathogenic for Hereditary cancer-predisposing syndrome. Last evaluated: 2019-06-29. Review status: criteria provided, single submitter. Criteria: Ambry Variant Classification Scheme 2023. Collection method: clinical testing. Allele origin: germline.
Comment: The c.1349delA pathogenic mutation, located in coding exon 4 of the PALB2 gene, results from a deletion of one nucleotide at nucleotide position 1349, causing a translational frameshift with a predicted alternate stop codon (p.N450Ifs*2). This alteration is expected to result in loss of function by premature protein truncation or nonsense-mediated mRNA decay. As such, this alteration is interpreted as a disease-causing mutation.

NM_024675.4(PALB2):c.1349del (p.Asn450fs)

Gene: PALB2 (partner and localizer of BRCA2; minus strand). Cytogenetic location: 16p12.2.
Variant type: Deletion.
Coding change: c.1349del on transcript NM_024675.4 (MANE Select); coding-DNA position 1349, one base deleted (A; older notation c.1349delA).
Protein change: p.Asn450fs; shifts the reading frame from asparagine 450.
Molecular consequence: frameshift variant.
Genome position (GRCh38, 1-based): chr16:23,635,197, T deleted on the plus strand (A on the coding strand, the reverse complement: PALB2 is on the minus strand); the first of 5 consecutive T bases (chr16:23,635,197-23,635,201); deleting any one gives the same sequence. VCF-style (leftmost placement, unchanged base first): chr16-23635196-AT-A. GRCh37 (hg19) VCF-style: chr16-23646517-AT-A.
Other names: short protein forms N450fs.
Identifiers: ClinVar variation 818920 (VCV000818920.4), dbSNP rs1597096338, ClinGen allele CA915949204.
Genomic context (GRCh38, chr16:23,635,196, plus strand): 5'-TGTGCATGTGCCAGACATCCTAATTTCACTTTGGTCAGTTTCCTCATTGGAAAGGTTTAA[AT>A]TTTTACTTGCATCCTTATTTTTATTTTTAAACCCTTTTTTCTTGACATCCAAATGACTCT-3'